The following is an entry in ClinVar:

ClinVar aggregate classification (germline): Conflicting classifications of pathogenicity. Review status: criteria provided, conflicting classifications (1 of 4 stars). 2 submissions from 2 submitters: Uncertain significance (1); Likely benign (1). Last evaluated 2025-07-30.

Allele frequency attached by ClinVar (database versions not stated): ExAC 0.00001; gnomAD exomes 0.00001; TOPMed 0.00002.
gnomAD v4.1: 5 of 1,614,168 alleles (0.00031%); highest among the groups gnomAD compares: Admixed American, 0.0083%; no homozygotes.

Submissions (2):

Labcorp Genetics (formerly Invitae), Labcorp
Classification: Likely benign. Last evaluated: 2025-07-30. Review status: criteria provided, single submitter. Criteria: Invitae Variant Classification Sherloc (09022015). Collection method: clinical testing. Allele origin: germline.

Women's Health and Genetics/Laboratory Corporation of America, LabCorp
Classification: Uncertain significance. Last evaluated: 2024-04-24. Review status: criteria provided, single submitter. Criteria: LabCorp Variant Classification Summary - May 2015. Collection method: clinical testing. Allele origin: germline.
Comment: Variant summary: TCF20 c.3284A>T (p.Glu1095Val) results in a non-conservative amino acid change in the encoded protein sequence. Three of five in-silico tools predict a damaging effect of the variant on protein function. The variant allele was found at a frequency of 2e-05 in 251468 control chromosomes. The available data on variant occurrences in the general population are insufficient to allow any conclusion about variant significance. To our knowledge, no occurrence of c.3284A>T in individuals affected with Developmental Delay With Variable Intellectual Impairment And Behavioral Abnormalities and no experimental evidence demonstrating its impact on protein function have been reported. ClinVar contains an entry for this variant (Variation ID: 2712334). Based on the evidence outlined above, the variant was classified as uncertain significance.

NM_001378418.1(TCF20):c.3284A>T (p.Glu1095Val)

Gene: TCF20 (transcription factor 20; minus strand). Cytogenetic location: 22q13.2.
Variant type: single nucleotide variant.
Coding change: c.3284A>T on transcript NM_001378418.1 (MANE Select); coding-DNA position 3284, A replaced by T.
Protein change: p.Glu1095Val; replaces glutamic acid 1095 with valine.
Molecular consequence: missense variant.
Genome position (GRCh38, 1-based): chr22:42,212,022, T>A on the plus strand (A>T on the coding strand, the complement: TCF20 is on the minus strand). VCF-style: chr22-42212022-T-A. GRCh37 (hg19) VCF-style: chr22-42608028-T-A.
Other names: c.3284A>T, p.Glu1095Val (NM_005650.4, NM_181492.3); short protein forms E1095V.
Identifiers: ClinVar variation 2712334 (VCV002712334.4), dbSNP rs755943322, ClinGen allele CA10266856.
Genomic context (GRCh38, chr22:42,212,022, plus strand): 5'-CTGTGCTGTGCTGCAGCAATTACTCCCTGAGCAGAACCGCTGCTCCAGTCTTTATACTCC[T>A]CTGGTTGCTGTTGGTACATCTGTCTCTTATAATGCAGCTGAGAATTCAAACCTGCGTTAG-3'
Protein context (NP_001365347.1, residues 1085-1105): YKRQMYQQQP[Glu1095Val]EYKDWSSGSA